The following is an entry in ClinVar:

ClinVar aggregate classification (germline): Benign (0 of 4 stars; one submission).

Conditions:
MDN1-related disorder. Also called: MDN1-related condition.

Allele frequency attached by ClinVar (database versions not stated): gnomAD exomes 0.00050; ExAC 0.00175; gnomAD 0.00514; 1000 Genomes Project 0.00559; TOPMed 0.00568; ESP Exome Variant Server 0.00623; 1000 Genomes Project 30x 0.00671.
gnomAD v4.1: 1,526 of 1,614,168 alleles (0.095%); highest among the groups gnomAD compares: African/African-American, 1.8%; 12 homozygotes.

Submission:

PreventionGenetics, part of Exact Sciences
Classification: Benign for MDN1-related condition. Last evaluated: 2019-04-04. Review status: no assertion criteria provided. Collection method: clinical testing. Allele origin: germline.
Comment: This variant is classified as benign based on ACMG/AMP sequence variant interpretation guidelines (Richards et al. 2015 PMID: 25741868, with internal and published modifications).

NM_014611.3(MDN1):c.10934C>T (p.Pro3645Leu)

Gene: MDN1 (midasin AAA ATPase 1; minus strand). Cytogenetic location: 6q15.
Variant type: single nucleotide variant.
Coding change: c.10934C>T on transcript NM_014611.3 (MANE Select); coding-DNA position 10934, C replaced by T.
Protein change: p.Pro3645Leu; replaces proline 3645 with leucine.
Molecular consequence: missense variant.
Genome position (GRCh38, 1-based): chr6:89,689,959, G>A on the plus strand (C>T on the coding strand, the complement: MDN1 is on the minus strand). VCF-style: chr6-89689959-G-A. GRCh37 (hg19) VCF-style: chr6-90399678-G-A.
Other names: short protein forms P3645L.
Identifiers: ClinVar variation 3041433 (VCV003041433.2), dbSNP rs114404428, ClinGen allele CA3923481.